The following is an entry in ClinVar:

NM_003227.4(TFR2):c.286+2T>C

Gene: TFR2 (transferrin receptor 2; minus strand). Cytogenetic location: 7q22.1.
Variant type: single nucleotide variant.
Coding change: c.286+2T>C on transcript NM_003227.4 (MANE Select); the canonical splice donor site of the intron after coding-DNA position 286, T replaced by C.
Molecular consequence: splice donor variant.
Genome position (GRCh38, 1-based): chr7:100,640,974, A>G on the plus strand (T>C on the coding strand, the complement: TFR2 is on the minus strand). VCF-style: chr7-100640974-A-G. GRCh37 (hg19) VCF-style: chr7-100238597-A-G.
Identifiers: ClinVar variation 1028095 (VCV001028095.9), dbSNP rs1562845204, ClinGen allele CA368537913.

ClinVar aggregate classification (germline): Likely pathogenic. Review status: criteria provided, multiple submitters, no conflicts (2 of 4 stars). 2 submissions from 2 submitters: Likely pathogenic (2). Last evaluated 2025-04-30.

Conditions:
Hemochromatosis type 3 (HFE3). Also called: HEMOCHROMATOSIS DUE TO DEFECT IN TRANSFERRIN RECEPTOR 2; Hereditary hemochromatosis type 3; TFR2-Related Hemochromatosis. Identifiers: Orphanet 225123, MedGen C1858664, MONDO:0011417, OMIM 604250.
Hereditary hemochromatosis (HFE). Identifiers: MedGen C0392514, MONDO:0006507. Disease mechanism: loss of function.

Allele frequency attached by ClinVar (database versions not stated): gnomAD exomes below 0.00001; TOPMed 0.00001.
gnomAD v4.1: 3 of 1,609,696 alleles (0.00019%); highest among the groups gnomAD compares: Admixed American, 0.0017%; no homozygotes.

Submissions (2):

Labcorp Genetics (formerly Invitae), Labcorp
Classification: Likely pathogenic for Hereditary hemochromatosis. Last evaluated: 2025-04-30. Review status: criteria provided, single submitter. Criteria: Invitae Variant Classification Sherloc (09022015). Collection method: clinical testing. Allele origin: germline.
Comment: This sequence change affects a donor splice site in intron 2 of the TFR2 gene. It is expected to disrupt RNA splicing. Variants that disrupt the donor or acceptor splice site typically lead to a loss of protein function (PMID: 16199547), and loss-of-function variants in TFR2 are known to be pathogenic (PMID: 23600741, 26029709). This variant is present in population databases (no rsID available, gnomAD 0.003%). This variant has not been reported in the literature in individuals affected with TFR2-related conditions. ClinVar contains an entry for this variant (Variation ID: 1028095). Algorithms developed to predict the effect of sequence changes on RNA splicing suggest that this variant may disrupt the consensus splice site. In summary, the currently available evidence indicates that the variant is pathogenic, but additional data are needed to prove that conclusively. Therefore, this variant has been classified as Likely Pathogenic.

Natera, Inc.
Classification: Likely pathogenic for Hereditary hemochromatosis type 3. Last evaluated: 2024-09-30. Review status: criteria provided, single submitter. Criteria: Natera Variant Classification Schema (03/2026). Collection method: clinical testing. Allele origin: germline.
Comment: The c.286+2T>C variant in TFR2 is a canonical splice donor site variant predicted to affect pre-mRNA splicing, which may result in an abnormal transcript and altered protein product. This variant is expected to result in nonsense mediated decay, truncation, or a dysfunctional protein product. This variant is rare in the general population with a frequency below the threshold expected for the associated phenotype(s). Given the available evidence, this variant is classified as Likely Pathogenic.

Literature cited by the submitters: PubMed 16199547 (cited by Labcorp Genetics (formerly Invitae), Labcorp); PubMed 23600741 (cited by Labcorp Genetics (formerly Invitae), Labcorp); PubMed 26029709 (cited by Labcorp Genetics (formerly Invitae), Labcorp).